The following is an entry in ClinVar:

NM_000512.5(GALNS):c.706C>T (p.His236Tyr)

Gene: GALNS (galactosamine (N-acetyl)-6-sulfatase; minus strand). Cytogenetic location: 16q24.3.
Variant type: single nucleotide variant.
Coding change: c.706C>T on transcript NM_000512.5 (MANE Select); coding-DNA position 706, C replaced by T.
Protein change: p.His236Tyr; replaces histidine 236 with tyrosine.
Molecular consequence: missense variant.
Genome position (GRCh38, 1-based): chr16:88,835,777, G>A on the plus strand (C>T on the coding strand, the complement: GALNS is on the minus strand). VCF-style: chr16-88835777-G-A. GRCh37 (hg19) VCF-style: chr16-88902185-G-A.
Other names: c.151C>T, p.His51Tyr (NM_001323543.2); c.724C>T, p.His242Tyr (NM_001323544.2); short protein forms H236Y, H242Y, H51Y.
Identifiers: ClinVar variation 1048202 (VCV001048202.3), dbSNP rs1228027865, ClinGen allele CA397080344.

ClinVar aggregate classification (germline): Likely pathogenic (1 of 4 stars; one submission).

Conditions:
Mucopolysaccharidosis, MPS-IV-A (MPS4A). Also called: Mucopolysaccharidosis type IV A; Mucopolysaccharidosis Type IVA; Morquio syndrome A, mild; MORQUIO SYNDROME A; MPS IVA; mucopolysaccharidosis type 4A. Identifiers: Orphanet 309297, Orphanet 582, MedGen C0086651, MONDO:0009659, OMIM 253000.

Allele frequency attached by ClinVar (database versions not stated): TOPMed below 0.00001; gnomAD exomes 0.00001.

Submission:

Laboratory of Diagnosis and Therapy of Lysosomal Disorders, University of Padova
Classification: Likely pathogenic for Mucopolysaccharidosis, MPS-IV-A. Last evaluated: 2021-02-01. Review status: criteria provided, single submitter. Criteria: ACMG Guidelines, 2015. Collection method: research. Allele origin: germline.
Comment: The prevalence of the variant in affected individuals is significantly increased compared with the prevalence in controls (PS4_supporting); located in a mutational hot spot and/or critical and well-established functional domain without benign variation (PM1_moderate); very low frequency in gnomAD v2.1.1 (PM2_moderate); multiple lines of computational evidence support a deleterious effect on the gene (PP3_supporting)

Literature cited by the submitters: PubMed 34387910.